The following is an entry in ClinVar:

NM_030912.3(TRIM8):c.1633A>G (p.Thr545Ala)

Gene: TRIM8 (tripartite motif containing 8; plus strand). Cytogenetic location: 10q24.32.
Variant type: single nucleotide variant.
Coding change: c.1633A>G on transcript NM_030912.3 (MANE Select); coding-DNA position 1633, A replaced by G.
Protein change: p.Thr545Ala; replaces threonine 545 with alanine.
Molecular consequence: missense variant. On other transcripts: non-coding transcript variant (1).
Genome position (GRCh38, 1-based): chr10:102,657,331, A>G. VCF-style: chr10-102657331-A-G. GRCh37 (hg19) VCF-style: chr10-104417088-A-G.
Other names: c.1537A>G, p.Thr513Ala (NM_001345950.1); c.1633A>G (NM_030912.2); short protein forms T513A, T545A.
Identifiers: ClinVar variation 3615719 (VCV003615719.4).

ClinVar aggregate classification (germline): Conflicting classifications of pathogenicity. Review status: criteria provided, conflicting classifications (1 of 4 stars). 3 submissions from 3 submitters: Uncertain significance (2); Likely benign (1). Last evaluated 2024-12-14.

Conditions:
Inborn genetic diseases. Identifiers: MedGen C0950123, MeSH D030342.

gnomAD v4.1: 23 of 1,595,382 alleles (0.0014%); highest among the groups gnomAD compares: Non-Finnish European, 0.002%; no homozygotes.

Submissions (3):

Ambry Genetics
Classification: Uncertain significance for Inborn genetic diseases. Last evaluated: 2024-12-14. Review status: criteria provided, single submitter. Criteria: Ambry Variant Classification Scheme 2023. Collection method: clinical testing. Allele origin: germline.

Labcorp Genetics (formerly Invitae), Labcorp
Classification: Uncertain significance. Last evaluated: 2024-02-02. Review status: criteria provided, single submitter. Criteria: Invitae Variant Classification Sherloc (09022015). Collection method: clinical testing. Allele origin: germline.
Comment: This sequence change replaces threonine, which is neutral and polar, with alanine, which is neutral and non-polar, at codon 545 of the TRIM8 protein (p.Thr545Ala). This variant is not present in population databases (gnomAD no frequency). This variant has not been reported in the literature in individuals affected with TRIM8-related conditions. An algorithm developed to predict the effect of missense changes on protein structure and function (PolyPhen-2) suggests that this variant is likely to be tolerated. In summary, the available evidence is currently insufficient to determine the role of this variant in disease. Therefore, it has been classified as a Variant of Uncertain Significance.

Blueprint Genetics
Classification: Likely benign. Last evaluated: 2023-02-13. Review status: criteria provided, single submitter. Criteria: ACMG Guidelines, 2015. Collection method: clinical testing. Allele origin: germline.